The following is an entry in ClinVar:

ClinVar aggregate classification (germline): Uncertain significance. Review status: criteria provided, multiple submitters, no conflicts (2 of 4 stars). 6 submissions from 6 submitters: Uncertain significance (6). Last evaluated 2026-07-27.

Conditions:
TTN-related disorder. Also called: TTN-related condition; TTN-related disease; TTN-related disorders.
Cardiovascular phenotype. Identifiers: MedGen CN230736.

Allele frequency attached by ClinVar (database versions not stated): TOPMed 0.00005.
gnomAD v4.1: 165 of 1,612,600 alleles (0.01%); highest among the groups gnomAD compares: Non-Finnish European, 0.013%; no homozygotes.

Submissions (6):

PreventionGenetics, part of Exact Sciences
Classification: Uncertain significance for TTN-related condition. Last evaluated: 2026-07-27. Review status: criteria provided, single submitter. Criteria: ACMG Guidelines, 2015. Collection method: clinical testing. Allele origin: germline.
Comment: The TTN c.42950G>A variant is predicted to result in the amino acid substitution p.Arg14317Gln. To our knowledge, this variant has not been reported in the literature. This variant is reported in 0.0051% of alleles in individuals of East Asian descent in gnomAD. At this time, the clinical significance of this variant is uncertain due to the absence of conclusive functional and genetic evidence.

Women's Health and Genetics/Laboratory Corporation of America, LabCorp
Classification: Uncertain significance. Last evaluated: 2025-11-19. Review status: criteria provided, single submitter. Criteria: LabCorp Variant Classification Summary - May 2015. Collection method: clinical testing. Allele origin: germline.
Comment: Variant summary: TTN c.35246G>A (p.Arg11749Gln) results in a conservative amino acid change in the encoded protein sequence. Algorithms developed to predict the effect of missense changes on protein structure and function are either unavailable or do not agree on the potential impact of this missense change. The variant allele was found at a frequency of 4e-06 in 247928 control chromosomes. The available data on variant occurrences in the general population are insufficient to allow any conclusion about variant significance. To our knowledge, no occurrence of c.35246G>A in individuals affected with TTN-related conditions and no experimental evidence demonstrating its impact on protein function have been reported. ClinVar contains an entry for this variant (Variation ID: 179811). Based on the evidence outlined above, the variant was classified as uncertain significance.

GeneDx
Classification: Uncertain significance. Last evaluated: 2020-12-15. Review status: criteria provided, single submitter. Criteria: GeneDx Variant Classification Process June 2021. Collection method: clinical testing. Allele origin: germline. Affected: yes.

ARUP Laboratories, Molecular Genetics and Genomics, ARUP Laboratories
Classification: Uncertain significance. Last evaluated: 2019-09-30. Review status: criteria provided, single submitter. Criteria: ARUP Molecular Germline Variant Investigation Process. Collection method: clinical testing. Allele origin: germline.
Comment: The TTN c.42950G>A; p.Arg14317Gln variant (rs727505144; ClinVar Variation ID: 179811) is rare in the general population (<1% allele frequency in the Genome Aggregation Database) and has not been reported in the medical literature in association with dilated cardiomyopathy (DCM) or other TTN-related disease. The clinical relevance of rare missense variants in this gene, which are identified on average once per individual sequenced in affected populations (Herman 2012), is not well understood. Yet, evidence suggests that the vast majority of such missense variants do not contribute to the clinical outcome of DCM (Begay 2015). Thus, the clinical significance of the p.Arg14317Gln variant cannot be determined with certainty. References: Begay RL et al. Role of Titin Missense Variants in Dilated Cardiomyopathy. J Am Heart Assoc. 2015 Nov 13;4(11). Herman DS et al. Truncations of titin causing dilated cardiomyopathy. N Engl J Med. 2012 Feb 16;366(7):619-28. Linke and Hamdani. Gigantic business: titin properties and function through thick and thin. Circ Res 2014; 114(6): 1052-1068.

Ambry Genetics
Classification: Uncertain significance for Cardiovascular phenotype. Last evaluated: 2019-08-30. Review status: criteria provided, single submitter. Criteria: Ambry Variant Classification Scheme 2023. Collection method: clinical testing. Allele origin: germline.
Comment: The p.R5252Q variant (also known as c.15755G>A), located in coding exon 60 of the TTN gene, results from a G to A substitution at nucleotide position 15755. The arginine at codon 5252 is replaced by glutamine, an amino acid with highly similar properties. This amino acid position is highly conserved in available vertebrate species. In addition, this alteration is predicted to be tolerated by in silico analysis. Since supporting evidence is limited at this time, the clinical significance of this alteration remains unclear.

Laboratory for Molecular Medicine, Mass General Brigham Personalized Medicine
Classification: Uncertain significance. Last evaluated: 2014-06-19. Review status: criteria provided, single submitter. Criteria: LMM Criteria. Collection method: clinical testing. Allele origin: germline. Observed: 1 variant allele.
Comment: The Arg11749Gln variant in TTN has not been previously reported in individuals w ith cardiomyopathy or in large population studies. Computational prediction tool s and conservation analysis do not provide strong support for or against an impa ct to the protein, though 2 mammals (dolphin and killer whale) have a glutamine (Glu) at this position, raising the possibility that this change may be tolerate d. In summary, the clinical significance of the Arg11749Gln variant is uncertain .

NM_001267550.2(TTN):c.42950G>A (p.Arg14317Gln)

Gene: TTN (titin; minus strand). Cytogenetic location: 2q31.2.
Variant type: single nucleotide variant.
Coding change: c.42950G>A on transcript NM_001267550.2 (MANE Select); coding-DNA position 42950, G replaced by A.
Protein change: p.Arg14317Gln; replaces arginine 14317 with glutamine.
Molecular consequence: missense variant.
Genome position (GRCh38, 1-based): chr2:178,633,323, C>T on the plus strand (G>A on the coding strand, the complement: TTN is on the minus strand). VCF-style: chr2-178633323-C-T. GRCh37 (hg19) VCF-style: chr2-179498050-C-T.
Other names: c.35246G>A, p.Arg11749Gln (NM_133378.4); c.38027G>A, p.Arg12676Gln (NM_001256850.1); c.15755G>A, p.Arg5252Gln (NM_003319.4); c.16130G>A, p.Arg5377Gln (NM_133432.3); c.16331G>A, p.Arg5444Gln (NM_133437.4); short protein forms R11749Q, R14317Q, R5444Q, R12676Q, R5377Q, R5252Q.
Identifiers: ClinVar variation 179811 (VCV000179811.18), dbSNP rs727505144, ClinGen allele CA185187.
Genomic context (GRCh38, chr2:178,633,323, plus strand): 5'-TGGGCTGTTTCACCAACAAACACCTCTACTCCGTACAGAGGCTTTTCCACTTTTATTAGT[C>T]GAGCTGAAATGATACAGTTTTGTTAGCATGACTGAACTAATAAACTGCAGATTCAGATAG-3'
Protein context (NP_001254479.2, residues 14307-14327): KTKANVTVEA[Arg14317Gln]LIKVEKPLYG